The following is an entry in ClinVar:

NC_000007.13:g.(?_95864121)_(95868662_?)del

Gene: SLC25A13 (solute carrier family 25 member 13; minus strand). Cytogenetic location: 7q21.3.
Variant type: Deletion.
Identifiers: ClinVar variation 3245774 (VCV003245774.1).

ClinVar aggregate classification (germline): Likely pathogenic (1 of 4 stars; one submission).

Conditions:
Citrin deficiency. Identifiers: Orphanet 247582, MedGen C1997910, MONDO:0016602.

Submission:

Labcorp Genetics (formerly Invitae), Labcorp
Classification: Likely pathogenic for Citrin deficiency. Last evaluated: 2023-05-23. Review status: criteria provided, single submitter. Criteria: Invitae Variant Classification Sherloc (09022015). Collection method: clinical testing. Allele origin: unknown.
Comment: In summary, the currently available evidence indicates that the variant is pathogenic, but additional data are needed to prove that conclusively. Therefore, this variant has been classified as Likely Pathogenic. This variant has not been reported in the literature in individuals affected with SLC25A13-related conditions. This variant results in the deletion of part of exon 4 (c.213-4433_321del) of the SLC25A13 gene. It is expected to disrupt RNA splicing. Variants that disrupt the donor or acceptor splice site typically lead to a loss of protein function (PMID: 16199547), and loss-of-function variants in SLC25A13 are known to be pathogenic (PMID: 10369257, 14680984, 27405544).

Literature cited by the submitters: PubMed 16199547; PubMed 10369257; PubMed 14680984; PubMed 27405544.